The following is an entry in ClinVar:

NM_001257293.2(HNRNPH1):c.964G>C (p.Gly322Arg)

Genes: HNRNPH1 (heterogeneous nuclear ribonucleoprotein H1; minus strand), LOC128966623 (uncharacterized LOC128966623; plus strand). Cytogenetic location: 5q35.3.
Variant type: single nucleotide variant.
Coding change: c.964G>C on transcript NM_001257293.2 (MANE Select); coding-DNA position 964, G replaced by C.
Protein change: p.Gly322Arg; replaces glycine 322 with arginine.
Molecular consequence: missense variant.
Genome position (GRCh38, 1-based): chr5:179,617,607, C>G on the plus strand (G>C on the coding strand, the complement: HNRNPH1 is on the minus strand). VCF-style: chr5-179617607-C-G. GRCh37 (hg19) VCF-style: chr5-179044608-C-G.
Other names: c.964G>C, p.Gly322Arg (NM_001363572.2, NM_001364225.2, NM_001364226.2 and 27 more transcripts); c.943G>C, p.Gly315Arg (NM_001364240.2, NM_001364241.2, NM_001364242.2 and 6 more transcripts); c.808G>C, p.Gly270Arg (NM_001364250.2); c.361G>C, p.Gly121Arg (NM_001364251.2, NM_001364252.2, NM_001364253.2 and 4 more transcripts); c.733G>C, p.Gly245Arg (NM_001395190.1); c.646G>C, p.Gly216Arg (NM_001395191.1, NM_001395192.1); c.553G>C, p.Gly185Arg (NM_001395193.1); short protein forms G121R, G185R, G216R, G245R, G270R, G315R, G322R.
Identifiers: ClinVar variation 2662361 (VCV002662361.1), dbSNP rs2532662810, ClinGen allele CA362437578.

ClinVar aggregate classification (germline): Uncertain significance (1 of 4 stars; one submission).

Submission:

GeneDx
Classification: Uncertain significance. Last evaluated: 2023-05-18. Review status: criteria provided, single submitter. Criteria: GeneDx Variant Classification Process June 2021. Collection method: clinical testing. Allele origin: germline. Affected: yes.
Comment: Not observed at significant frequency in large population cohorts (gnomAD); In silico analysis supports that this missense variant has a deleterious effect on protein structure/function; Has not been previously published as pathogenic or benign to our knowledge